The following is an entry in ClinVar:

NM_016148.5(SHANK1):c.532-3C>T

Gene: SHANK1 (SH3 and multiple ankyrin repeat domains 1; minus strand). Cytogenetic location: 19q13.33.
Variant type: single nucleotide variant.
Coding change: c.532-3C>T on transcript NM_016148.5 (MANE Select); 3 bases into the intron before coding-DNA position 532, C replaced by T.
Molecular consequence: intron variant.
Genome position (GRCh38, 1-based): chr19:50,714,293, G>A on the plus strand (C>T on the coding strand, the complement: SHANK1 is on the minus strand). VCF-style: chr19-50714293-G-A. GRCh37 (hg19) VCF-style: chr19-51217550-G-A.
Identifiers: ClinVar variation 3058951 (VCV003058951.2), dbSNP rs3745530, ClinGen allele CA9602135.

ClinVar aggregate classification (germline): Benign (0 of 4 stars; one submission).

Conditions:
SHANK1-related disorder. Also called: SHANK1-related condition.

Allele frequency attached by ClinVar (database versions not stated): 1000 Genomes Project 0.40355; 1000 Genomes Project 30x 0.40974; TOPMed 0.41635; ESP Exome Variant Server 0.42081; gnomAD 0.42286; gnomAD exomes 0.43695; ExAC 0.43977.
gnomAD v4.1: 702,134 of 1,612,648 alleles (44%); highest among the groups gnomAD compares: South Asian, 49%; 155,482 homozygotes.

Submission:

PreventionGenetics, part of Exact Sciences
Classification: Benign for SHANK1-related condition. Last evaluated: 2023-10-19. Review status: no assertion criteria provided. Collection method: clinical testing. Allele origin: germline.
Comment: This variant is classified as benign based on ACMG/AMP sequence variant interpretation guidelines (Richards et al. 2015 PMID: 25741868, with internal and published modifications).